The following is an entry in ClinVar:

ClinVar aggregate classification (germline): Uncertain significance (1 of 4 stars; one submission).

Conditions:
Progressive sclerosing poliodystrophy (MTDPS4A). Also called: Mitochondrial DNA depletion syndrome 4A (Alpers type); ALPERS PROGRESSIVE INFANTILE POLIODYSTROPHY; NEURONAL DEGENERATION OF CHILDHOOD WITH LIVER DISEASE, PROGRESSIVE; Alpers Syndrome; ALPERS DIFFUSE DEGENERATION OF CEREBRAL GRAY MATTER WITH HEPATIC CIRRHOSIS; Alpers-Huttenlocher Syndrome. Identifiers: Orphanet 726, MedGen C0205710, MONDO:0008758, OMIM 203700.

Submission:

Labcorp Genetics (formerly Invitae), Labcorp
Classification: Uncertain significance for Progressive sclerosing poliodystrophy. Last evaluated: 2026-01-22. Review status: criteria provided, single submitter. Criteria: Invitae Variant Classification Sherloc (09022015). Collection method: clinical testing. Allele origin: germline.
Comment: This sequence change replaces glycine, which is neutral and non-polar, with cysteine, which is neutral and slightly polar, at codon 928 of the POLG protein (p.Gly928Cys). This variant is not present in population databases (gnomAD no frequency). This variant has not been reported in the literature in individuals affected with POLG-related conditions. ClinVar contains an entry for this variant (Variation ID: 2190536). Invitae Evidence Modeling of protein sequence and biophysical properties (such as structural, functional, and spatial information, amino acid conservation, physicochemical variation, residue mobility, and thermodynamic stability) indicates that this missense variant is expected to disrupt POLG protein function with a positive predictive value of 95%. In summary, the available evidence is currently insufficient to determine the role of this variant in disease. Therefore, it has been classified as a Variant of Uncertain Significance.

NM_002693.3(POLG):c.2782G>T (p.Gly928Cys)

Gene: POLG (DNA polymerase gamma, catalytic subunit; minus strand). Cytogenetic location: 15q26.1.
Variant type: single nucleotide variant.
Coding change: c.2782G>T on transcript NM_002693.3 (MANE Select); coding-DNA position 2782, G replaced by T.
Protein change: p.Gly928Cys; replaces glycine 928 with cysteine.
Molecular consequence: missense variant.
Genome position (GRCh38, 1-based): chr15:89,320,965, C>A on the plus strand (G>T on the coding strand, the complement: POLG is on the minus strand). VCF-style: chr15-89320965-C-A. GRCh37 (hg19) VCF-style: chr15-89864196-C-A.
Other names: c.2782G>T, p.Gly928Cys (NM_001126131.2); short protein forms G928C.
Identifiers: ClinVar variation 2190536 (VCV002190536.2), dbSNP rs759944038, ClinGen allele CA393753140.